The following is an entry in ClinVar:

NM_000789.4(ACE):c.*505C>G

Gene: ACE (angiotensin I converting enzyme; plus strand). Cytogenetic location: 17q23.3.
Variant type: single nucleotide variant.
Coding change: c.*505C>G on transcript NM_000789.4 (MANE Select); 505 bases downstream of the stop codon, C replaced by G.
Molecular consequence: 3 prime UTR variant.
Genome position (GRCh38, 1-based): chr17:63,497,871, C>G. VCF-style: chr17-63497871-C-G. GRCh37 (hg19) VCF-style: chr17-61575232-C-G.
Other names: c.*505C>G (NM_001178057.2, NM_152830.3).
Identifiers: ClinVar variation 324428 (VCV000324428.5), dbSNP rs111618613, ClinGen allele CA10649782.

ClinVar aggregate classification (germline): Benign (1 of 4 stars; one submission).

Conditions:
Renal tubular dysgenesis. Also called: Renotubular dysgenesis. Identifiers: Orphanet 3033, MedGen C0266313, MONDO:0017609, HP:0008660.

Allele frequency attached by ClinVar (database versions not stated): gnomAD exomes 0.00052; gnomAD 0.00608 and 0.00648; TOPMed 0.00674; 1000 Genomes Project 0.00679; 1000 Genomes Project 30x 0.00718.
gnomAD v4.1: 976 of 264,356 alleles (0.37%); highest among the groups gnomAD compares: African/African-American, 2%; 6 homozygotes.

Submission:

Illumina Laboratory Services, Illumina
Classification: Benign for Renal tubular dysgenesis of genetic origin. Last evaluated: 2018-01-12. Review status: criteria provided, single submitter. Criteria: ICSL Variant Classification Criteria 13 December 2019. Collection method: clinical testing. Allele origin: germline.
Comment: This variant was observed in the ICSL laboratory as part of a predisposition screen in an ostensibly healthy population. It had not been previously curated by ICSL or reported in the Human Gene Mutation Database (HGMD: prior to June 1st, 2018), and was therefore a candidate for classification through an automated scoring system. Utilizing variant allele frequency, disease prevalence and penetrance estimates, and inheritance mode, an automated score was calculated to assess if this variant is too frequent to cause the disease. Based on the score and internal cut-off values, a variant classified as benign is not then subjected to further curation. The score for this variant resulted in a classification of benign for this disease.